The following is an entry in ClinVar:

NM_002941.4(ROBO1):c.583C>T (p.Arg195Ter)

Gene: ROBO1 (roundabout guidance receptor 1; minus strand). Cytogenetic location: 3p12.3.
Variant type: single nucleotide variant.
Coding change: c.583C>T on transcript NM_002941.4 (MANE Select); coding-DNA position 583, C replaced by T.
Protein change: p.Arg195Ter; replaces arginine 195 with a stop codon.
Molecular consequence: nonsense.
Genome position (GRCh38, 1-based): chr3:78,746,817, G>A on the plus strand (C>T on the coding strand, the complement: ROBO1 is on the minus strand). VCF-style: chr3-78746817-G-A. GRCh37 (hg19) VCF-style: chr3-78795967-G-A.
Other names: c.466C>T, p.Arg156Ter (NM_001145844.1, NM_001145845.2, NM_133631.4); c.583C>T (NM_002941.3); short protein forms R156*, R195*.
Identifiers: ClinVar variation 2664558 (VCV002664558.5), dbSNP rs925005242.

ClinVar aggregate classification (germline): Pathogenic/Likely pathogenic. Review status: criteria provided, multiple submitters, no conflicts (2 of 4 stars). 3 submissions from 3 submitters: Pathogenic (1); Likely pathogenic (1). 1 of the submissions does not count toward it. Last evaluated 2025-05-22.

Conditions:
Neurooculorenal syndrome (NORS). Identifiers: MedGen C5830377, MONDO:0957210, OMIM 620305.

Allele frequency attached by ClinVar (database versions not stated): gnomAD exomes below 0.00001; TOPMed 0.00001.
gnomAD v4.1: 4 of 1,603,102 alleles (0.00025%); highest among the groups gnomAD compares: Non-Finnish European, 0.00034%; no homozygotes.

Submissions (3):

GeneDx
Classification: Pathogenic. Last evaluated: 2025-05-22. Review status: criteria provided, single submitter. Criteria: GeneDx Variant Classification Process June 2021. Collection method: clinical testing. Allele origin: germline. Affected: yes.
Comment: Nonsense variant predicted to result in protein truncation or nonsense mediated decay in a gene for which loss of function is a known mechanism of disease; Not observed at significant frequency in large population cohorts (gnomAD); Observed on the opposite allele (in trans) with another variant in ROBO1 in a fetus with bilateral ventriculomegaly, renal pyelectasis, and short long bones (PMID: 40041274); This variant is associated with the following publications: (PMID: 40041274)

Juno Genomics, Hangzhou Juno Genomics, Inc
Classification: Likely pathogenic for Neurooculorenal syndrome. Review status: criteria provided, single submitter. Criteria: ACMG Guidelines, 2015. Collection method: clinical testing. Allele origin: germline.
Comment: Null variant in a gene where loss of function (LOF) is a known mechanism of disease.;Absent from controls (or at extremely low frequency if recessive) in Genome Aggregation Database.

Genetics and Genomic Medicine Centre, NeuroGen Healthcare, NeuroGen Healthcare
Classification: Uncertain significance. Last evaluated: 2021-12-20. Review status: no assertion criteria provided. Collection method: clinical testing. Allele origin: unknown. Affected: yes. Not counted in ClinVar's aggregate classification.